The following is an entry in ClinVar:

NM_001369268.1(ACAN):c.4817T>A (p.Leu1606Ter)

Gene: ACAN (aggrecan; plus strand). Cytogenetic location: 15q26.1.
Variant type: single nucleotide variant.
Coding change: c.4817T>A on transcript NM_001369268.1 (MANE Select); coding-DNA position 4817, T replaced by A.
Protein change: p.Leu1606Ter; replaces leucine 1606 with a stop codon.
Molecular consequence: nonsense.
Genome position (GRCh38, 1-based): chr15:88,857,402, T>A. VCF-style: chr15-88857402-T-A. GRCh37 (hg19) VCF-style: chr15-89400633-T-A.
Other names: c.4817T>A, p.Leu1606Ter (NM_001135.4, NM_001411096.1, NM_001411097.1 and 1 more transcripts); short protein forms L1606*.
Identifiers: ClinVar variation 3467936 (VCV003467936.2).

ClinVar aggregate classification (germline): Pathogenic/Likely pathogenic. Review status: criteria provided, multiple submitters, no conflicts (2 of 4 stars). 2 submissions from 2 submitters: Pathogenic (1); Likely pathogenic (1). Last evaluated 2024-07-05.

Conditions:
Inborn genetic diseases. Identifiers: MedGen C0950123, MeSH D030342.
ACAN-related disorder. Also called: ACAN-related disorders; ACAN-related condition.

Submissions (2):

Ambry Genetics
Classification: Pathogenic for Inborn genetic diseases. Last evaluated: 2024-07-05. Review status: criteria provided, single submitter. Criteria: Ambry Variant Classification Scheme 2023. Collection method: clinical testing. Allele origin: germline.
Comment: The c.4817T>A (p.L1606*) alteration, located in exon 12 (coding exon 11) of the ACAN gene, consists of a T to A substitution at nucleotide position 4817. This changes the amino acid from a leucine (L) to a stop codon at amino acid position 1606. This alteration is expected to result in loss of function by premature protein truncation or nonsense-mediated mRNA decay. This variant was not reported in population-based cohorts in the Genome Aggregation Database (gnomAD). This variant was reported as heterozygous in an individual with obesity, anteverted nares, broad forehead, hyperlordosis, macrocephaly, autism, global developmental delay, and absent short stature; however, this individual also had two variants in other genes detected (DECIPHER). Based on the available evidence, this alteration is classified as pathogenic.

Blueprint Genetics
Classification: Likely pathogenic for ACAN-related disorders. Last evaluated: 2022-12-08. Review status: criteria provided, single submitter. Criteria: ACMG Guidelines, 2015. Collection method: clinical testing. Allele origin: germline. Affected: yes. Observed: 3 variant alleles.